The following is an entry in ClinVar:

ClinVar aggregate classification (germline): Likely pathogenic (1 of 4 stars; one submission).

Conditions:
OTOG-related disorder. Also called: OTOG-related condition.

Submission:

PreventionGenetics, part of Exact Sciences
Classification: Likely pathogenic for OTOG-related condition. Last evaluated: 2023-01-12. Review status: criteria provided, single submitter. Criteria: ACMG Guidelines, 2015. Collection method: clinical testing. Allele origin: germline.
Comment: The OTOG c.1488-1G>A variant is predicted to disrupt the AG splice acceptor site and interfere with normal splicing. To our knowledge, this variant has not been reported in the literature. This variant is reported in 0.0029% of alleles in individuals of European (Non-Finnish) descent in gnomAD. Variants that disrupt the consensus splice acceptor site in OTOG are expected to be pathogenic. This variant is interpreted as likely pathogenic.

NM_001292063.2(OTOG):c.1452-1G>A

Gene: OTOG (otogelin; plus strand). Cytogenetic location: 11p15.1.
Variant type: single nucleotide variant.
Coding change: c.1452-1G>A on transcript NM_001292063.2 (MANE Select); the canonical splice acceptor site of the intron before coding-DNA position 1452, G replaced by A.
Molecular consequence: splice acceptor variant.
Genome position (GRCh38, 1-based): chr11:17,561,090, G>A. VCF-style: chr11-17561090-G-A. GRCh37 (hg19) VCF-style: chr11-17582637-G-A.
Other names: c.1488-1G>A (NM_001277269.2).
Identifiers: ClinVar variation 2629708 (VCV002629708.1), dbSNP rs1476485007, ClinGen allele CA379817730.